The following is an entry in ClinVar:

ClinVar aggregate classification (germline): Uncertain significance (1 of 4 stars; one submission).

Submission:

Labcorp Genetics (formerly Invitae), Labcorp
Classification: Uncertain significance. Last evaluated: 2021-03-26. Review status: criteria provided, single submitter. Criteria: Invitae Variant Classification Sherloc (09022015). Collection method: clinical testing. Allele origin: germline.
Comment: This sequence change replaces lysine with arginine at codon 263 of the SERPINH1 protein (p.Lys263Arg). The lysine residue is highly conserved and there is a small physicochemical difference between lysine and arginine. This variant is not present in population databases (ExAC no frequency). This variant has not been reported in the literature in individuals with SERPINH1-related conditions. Advanced modeling of protein sequence and biophysical properties (such as structural, functional, and spatial information, amino acid conservation, physicochemical variation, residue mobility, and thermodynamic stability) performed at Invitae indicates that this missense variant is not expected to disrupt SERPINH1 protein function. Algorithms developed to predict the effect of sequence changes on RNA splicing suggest that this variant may create or strengthen a splice site, but this prediction has not been confirmed by published transcriptional studies. In summary, the available evidence is currently insufficient to determine the role of this variant in disease. Therefore, it has been classified as a Variant of Uncertain Significance.

NM_001235.5(SERPINH1):c.788A>G (p.Lys263Arg)

Gene: SERPINH1 (serpin family H member 1; plus strand). Cytogenetic location: 11q13.5.
Variant type: single nucleotide variant.
Coding change: c.788A>G on transcript NM_001235.5 (MANE Select); coding-DNA position 788, A replaced by G.
Protein change: p.Lys263Arg; replaces lysine 263 with arginine.
Molecular consequence: missense variant.
Genome position (GRCh38, 1-based): chr11:75,569,005, A>G. VCF-style: chr11-75569005-A-G. GRCh37 (hg19) VCF-style: chr11-75280050-A-G.
Other names: c.788A>G, p.Lys263Arg (NM_001207014.3); short protein forms K263R.
Identifiers: ClinVar variation 1417174 (VCV001417174.8), dbSNP rs2135554705, ClinGen allele CA381891650.